The following is an entry in ClinVar:

ClinVar aggregate classification (germline): Uncertain significance. Review status: criteria provided, multiple submitters, no conflicts (2 of 4 stars). 4 submissions from 3 submitters: Uncertain significance (4). Last evaluated 2023-10-20.

Conditions:
Leber congenital amaurosis 15 (LCA15). Identifiers: Orphanet 65, MedGen C3151206, MONDO:0013457, OMIM 613843.
Inborn genetic diseases. Identifiers: MedGen C0950123, MeSH D030342.
Retinitis pigmentosa (RP). Identifiers: Orphanet 791, MedGen C0035334, MeSH D012174, MONDO:0019200, OMIM 268000. Inheritance: Autosomal dominant, autosomal recessive and X linked inheritance.

Allele frequency attached by ClinVar (database versions not stated): ExAC below 0.00001; gnomAD 0.00001; TOPMed 0.00001; gnomAD exomes 0.00003.

Submissions (4):

Ambry Genetics
Classification: Uncertain significance for Inborn genetic diseases. Last evaluated: 2023-10-20. Review status: criteria provided, single submitter. Criteria: Ambry Variant Classification Scheme 2023. Collection method: clinical testing. Allele origin: germline.

Labcorp Genetics (formerly Invitae), Labcorp
Classification: Uncertain significance. Last evaluated: 2022-07-11. Review status: criteria provided, single submitter. Criteria: Invitae Variant Classification Sherloc (09022015). Collection method: clinical testing. Allele origin: germline.
Comment: This sequence change replaces glutamine, which is neutral and polar, with arginine, which is basic and polar, at codon 85 of the TULP1 protein (p.Gln85Arg). This variant is present in population databases (rs754040672, gnomAD 0.02%). This variant has not been reported in the literature in individuals affected with TULP1-related conditions. ClinVar contains an entry for this variant (Variation ID: 356473). Algorithms developed to predict the effect of missense changes on protein structure and function output the following: SIFT: "Not Available"; PolyPhen-2: "Benign"; Align-GVGD: "Not Available". The arginine amino acid residue is found in multiple mammalian species, which suggests that this missense change does not adversely affect protein function. In summary, the available evidence is currently insufficient to determine the role of this variant in disease. Therefore, it has been classified as a Variant of Uncertain Significance.

Illumina Laboratory Services, Illumina
Classification: Uncertain significance for Leber congenital amaurosis 15. Last evaluated: 2018-01-12. Review status: criteria provided, single submitter. Criteria: ICSL Variant Classification Criteria 13 December 2019. Collection method: clinical testing. Allele origin: germline.

Illumina Laboratory Services, Illumina
Classification: Uncertain significance for Retinitis pigmentosa. Last evaluated: 2018-01-12. Review status: criteria provided, single submitter. Criteria: ICSL Variant Classification Criteria 13 December 2019. Collection method: clinical testing. Allele origin: germline.

NM_003322.6(TULP1):c.254A>G (p.Gln85Arg)

Gene: TULP1 (TUB like protein 1; minus strand). Cytogenetic location: 6p21.31.
Variant type: single nucleotide variant.
Coding change: c.254A>G on transcript NM_003322.6 (MANE Select); coding-DNA position 254, A replaced by G.
Protein change: p.Gln85Arg; replaces glutamine 85 with arginine.
Molecular consequence: missense variant. On other transcripts: intron variant (1).
Genome position (GRCh38, 1-based): chr6:35,511,743, T>C on the plus strand (A>G on the coding strand, the complement: TULP1 is on the minus strand). VCF-style: chr6-35511743-T-C. GRCh37 (hg19) VCF-style: chr6-35479520-T-C.
Other names: c.190+437A>G (NM_001289395.2); short protein forms Q85R.
Identifiers: ClinVar variation 356473 (VCV000356473.7), dbSNP rs754040672, ClinGen allele CA3772979.